The following is an entry in ClinVar:

ClinVar aggregate classification (germline): Pathogenic/Likely pathogenic. Review status: criteria provided, multiple submitters, no conflicts (2 of 4 stars). 2 submissions from 2 submitters: Pathogenic (1); Likely pathogenic (1). Last evaluated 2021-09-20.

Conditions:
NF2-related disorder. Also called: NF2-related condition.
Neurofibromatosis, type 2 (SWNV). Also called: NF2-Related Schwannomatosis; SCHWANNOMATOSIS, VESTIBULAR; BILATERAL ACOUSTIC NEUROFIBROMATOSIS. Identifiers: Orphanet 637, MedGen C0027832, MONDO:0007039, OMIM 101000. Disease mechanism: loss of function.

Submissions (2):

Blueprint Genetics
Classification: Likely pathogenic for NF2-related disorders. Last evaluated: 2021-09-20. Review status: criteria provided, single submitter. Criteria: ACMG Guidelines, 2015. Collection method: clinical testing. Allele origin: germline. Affected: yes. Observed: 1 variant allele.

3billion
Classification: Pathogenic for Neurofibromatosis, type 2. Review status: criteria provided, single submitter. Criteria: ACMG Guidelines, 2015. Collection method: clinical testing. Allele origin: unknown. Affected: yes. Observed: 1 heterozygote.
Comment: The variant is not observed in the gnomAD v2.1.1 dataset. The variant is predicted to result in a loss or disruption of normal protein function through nonsense-mediated decay (NMD) or protein truncation. Multiple pathogenic variants are reported downstream of the variant. The variant has been reported to be associated with NF2 related disorder (PMID: 15684865). Therefore, this variant is classified as Pathogenic according to the recommendation of ACMG/AMP guideline.

Literature cited by the submitters: PubMed 15684865 (cited by 3billion).

NM_000268.4(NF2):c.343C>T (p.Gln115Ter)

Gene: NF2 (NF2, moesin-ezrin-radixin like (MERLIN) tumor suppressor; plus strand). Cytogenetic location: 22q12.2.
Variant type: single nucleotide variant.
Coding change: c.343C>T on transcript NM_000268.4 (MANE Select); coding-DNA position 343, C replaced by T.
Protein change: p.Gln115Ter; replaces glutamine 115 with a stop codon.
Molecular consequence: nonsense. On other transcripts: 5 prime UTR variant (1), intron variant (8).
Genome position (GRCh38, 1-based): chr22:29,639,192, C>T. VCF-style: chr22-29639192-C-T. GRCh37 (hg19) VCF-style: chr22-30035181-C-T.
Other names: c.229C>T, p.Gln77Ter (NM_001407053.1, NM_001407056.1); c.217C>T, p.Gln73Ter (NM_001407055.1, NM_181828.3); c.343C>T, p.Gln115Ter (NM_001407057.1, NM_001407059.1, NM_001407060.1 and 5 more transcripts); c.-298C>T (NM_001407065.1); c.112C>T, p.Gln38Ter (NM_001407067.1); c.240+2316C>T (NM_001407058.1, NM_181829.3, NM_001407054.1 and 1 more transcripts); c.115-3010C>T (NM_001407063.1, NM_181830.3, NM_001407064.1 and 1 more transcripts); short protein forms Q115*, Q38*, Q73*, Q77*.
Identifiers: ClinVar variation 2572466 (VCV002572466.2), dbSNP rs1350618734, ClinGen allele CA411153354.